The following is an entry in ClinVar:

ClinVar aggregate classification (germline): Conflicting classifications of pathogenicity. Review status: criteria provided, conflicting classifications (1 of 4 stars). 3 submissions from 3 submitters: Uncertain significance (2); Likely benign (1). Last evaluated 2022-07-05.

Conditions:
Retinitis pigmentosa (RP). Identifiers: Orphanet 791, MedGen C0035334, MeSH D012174, MONDO:0019200, OMIM 268000. Inheritance: Autosomal dominant, autosomal recessive and X linked inheritance.

Allele frequency attached by ClinVar (database versions not stated): gnomAD exomes 0.00001 and 0.00010; gnomAD 0.00002 and 0.00003; TOPMed 0.00004; ExAC 0.00014.
gnomAD v4.1: 25 of 1,612,480 alleles (0.0016%); highest among the groups gnomAD compares: East Asian, 0.051%; no homozygotes.

Submissions (3):

Labcorp Genetics (formerly Invitae), Labcorp
Classification: Uncertain significance. Last evaluated: 2022-07-05. Review status: criteria provided, single submitter. Criteria: Invitae Variant Classification Sherloc (09022015). Collection method: clinical testing. Allele origin: germline.
Comment: In summary, the available evidence is currently insufficient to determine the role of this variant in disease. Therefore, it has been classified as a Variant of Uncertain Significance. Algorithms developed to predict the effect of missense changes on protein structure and function output the following: SIFT: "Tolerated"; PolyPhen-2: "Benign"; Align-GVGD: "Class C0". The alanine amino acid residue is found in multiple mammalian species, which suggests that this missense change does not adversely affect protein function. ClinVar contains an entry for this variant (Variation ID: 299992). This variant has not been reported in the literature in individuals affected with RBP3-related conditions. This variant is present in population databases (rs782570418, gnomAD 0.1%). This sequence change replaces valine, which is neutral and non-polar, with alanine, which is neutral and non-polar, at codon 336 of the RBP3 protein (p.Val336Ala).

Blueprint Genetics
Classification: Likely benign. Last evaluated: 2019-08-30. Review status: criteria provided, single submitter. Criteria: ACMG Guidelines, 2015. Collection method: clinical testing. Allele origin: germline.

Illumina Laboratory Services, Illumina
Classification: Uncertain significance for Retinitis pigmentosa. Last evaluated: 2018-01-13. Review status: criteria provided, single submitter. Criteria: ICSL Variant Classification Criteria 13 December 2019. Collection method: clinical testing. Allele origin: germline.

NM_002900.3(RBP3):c.1007T>C (p.Val336Ala)

Gene: RBP3 (retinol binding protein 3; plus strand). Cytogenetic location: 10q11.22.
Variant type: single nucleotide variant.
Coding change: c.1007T>C on transcript NM_002900.3 (MANE Select); coding-DNA position 1007, T replaced by C.
Protein change: p.Val336Ala; replaces valine 336 with alanine.
Molecular consequence: missense variant.
Genome position (GRCh38, 1-based): chr10:47,349,491, T>C. VCF-style: chr10-47349491-T-C. GRCh37 (hg19) VCF-style: chr10-48389871-A-G.
Other names: short protein forms V336A.
Identifiers: ClinVar variation 299992 (VCV000299992.11), dbSNP rs782570418, ClinGen allele CA5487633.